The following is an entry in ClinVar:

NM_006949.4(STXBP2):c.1107+6G>C

Gene: STXBP2 (syntaxin binding protein 2; plus strand). Cytogenetic location: 19p13.2.
Variant type: single nucleotide variant.
Coding change: c.1107+6G>C on transcript NM_006949.4 (MANE Select); 6 bases into the intron after coding-DNA position 1107, G replaced by C.
Molecular consequence: intron variant.
Genome position (GRCh38, 1-based): chr19:7,643,251, G>C. VCF-style: chr19-7643251-G-C. GRCh37 (hg19) VCF-style: chr19-7708137-G-C.
Other names: c.1140+6G>C (NM_001272034.2); c.1098+6G>C (NM_001127396.3).
Identifiers: ClinVar variation 2121615 (VCV002121615.4), dbSNP rs2031970400, ClinGen allele CA2576599708.
Genomic context (GRCh38, chr19:7,643,251, plus strand): 5'-TGATTGTATGAAGCACTTCAAGGGCTCGGTGGAGAAGCTGTGTAGTGTGGAGCAGGTGGG[G>C]CAGGGCTTGCGGGGGGCAGGGGTGATGGTCCTGCCAAGGCGGGGTATTGGGGAGGGGCTG-3'

ClinVar aggregate classification (germline): Uncertain significance (1 of 4 stars; one submission).

Conditions:
Familial hemophagocytic lymphohistiocytosis 5. Also called: STXBP2-Related Familial Hemophagocytic Lymphohistiocytosis (STXBP2-fHLH). Identifiers: Orphanet 540, MedGen C2751293, MONDO:0013135, OMIM 613101.

Submission:

Labcorp Genetics (formerly Invitae), Labcorp
Classification: Uncertain significance for Familial hemophagocytic lymphohistiocytosis 5. Last evaluated: 2022-04-04. Review status: criteria provided, single submitter. Criteria: Invitae Variant Classification Sherloc (09022015). Collection method: clinical testing. Allele origin: germline.
Comment: Variants that disrupt the consensus splice site are a relatively common cause of aberrant splicing (PMID: 17576681, 9536098). Algorithms developed to predict the effect of sequence changes on RNA splicing suggest that this variant is not likely to affect RNA splicing. In summary, the available evidence is currently insufficient to determine the role of this variant in disease. Therefore, it has been classified as a Variant of Uncertain Significance. This variant has not been reported in the literature in individuals affected with STXBP2-related conditions. This variant is not present in population databases (gnomAD no frequency). This sequence change falls in intron 13 of the STXBP2 gene. It does not directly change the encoded amino acid sequence of the STXBP2 protein. It affects a nucleotide within the consensus splice site.

Literature cited by the submitters: PubMed 17576681; PubMed 9536098.